The following is an entry in ClinVar:

ClinVar aggregate classification (germline): Benign/Likely benign. Review status: criteria provided, multiple submitters, no conflicts (2 of 4 stars). 11 submissions from 11 submitters: Benign (8); Likely benign (1). 2 of the submissions do not count toward it. Last evaluated 2026-02-04.

Conditions:
Sterile multifocal osteomyelitis with periostitis and pustulosis. Also called: CHRONIC RECURRENT MULTIFOCAL OSTEOMYELITIS 2, WITH PERIOSTITIS AND PUSTULOSIS. Identifiers: Orphanet 210115, MedGen C2748507, MONDO:0013021, OMIM 612852.

Allele frequency attached by ClinVar (database versions not stated): gnomAD 0.20931 and 0.20572; 1000 Genomes Project 30x 0.18457; 1000 Genomes Project 0.18970; ESP Exome Variant Server 0.19899; TOPMed 0.19928; ExAC 0.24571; gnomAD exomes 0.25339.
gnomAD v4.1: 414,048 of 1,604,640 alleles (26%); highest among the groups gnomAD compares: Admixed American, 30%; 56,618 homozygotes.

Submissions (11):

Labcorp Genetics (formerly Invitae), Labcorp
Classification: Benign for Sterile multifocal osteomyelitis with periostitis and pustulosis. Last evaluated: 2026-02-04. Review status: criteria provided, single submitter. Criteria: Invitae Variant Classification Sherloc (09022015). Collection method: clinical testing. Allele origin: germline.

Women's Health and Genetics/Laboratory Corporation of America, LabCorp
Classification: Benign. Last evaluated: 2026-01-21. Review status: criteria provided, single submitter. Criteria: LabCorp Variant Classification Summary - May 2015. Collection method: clinical testing. Allele origin: germline.

Blueprint Genetics
Classification: Likely benign. Last evaluated: 2024-11-26. Review status: criteria provided, single submitter. Criteria: ACMG Guidelines, 2015. Collection method: clinical testing. Allele origin: germline.

Unidad de Genómica Garrahan, Hospital de Pediatría Garrahan
Classification: Benign. Last evaluated: 2023-11-12. Review status: criteria provided, single submitter. Criteria: ACMG Guidelines, 2015. Collection method: clinical testing. Allele origin: germline. Affected: no. Observed: 47 variant alleles.
Comment: This variant is classified as Benign based on local population frequency. This variant was detected in 49% of patients studied by a panel of primary immunodeficiencies. Number of patients: 47. Only high quality variants are reported.

GeneDx
Classification: Benign. Last evaluated: 2021-05-12. Review status: criteria provided, single submitter. Criteria: GeneDx Variant Classification Process June 2021. Collection method: clinical testing. Allele origin: germline. Affected: yes.

Mayo Clinic Laboratories, Mayo Clinic
Classification: Benign. Last evaluated: 2018-03-22. Review status: criteria provided, single submitter. Criteria: ACMG Guidelines, 2015. Collection method: clinical testing. Allele origin: germline. Observed: 407 variant alleles.

Illumina Laboratory Services, Illumina
Classification: Benign for Sterile multifocal osteomyelitis with periostitis and pustulosis. Last evaluated: 2018-01-13. Review status: criteria provided, single submitter. Criteria: ICSL Variant Classification Criteria 13 December 2019. Collection method: clinical testing. Allele origin: germline.
Comment: This variant was observed in the ICSL laboratory as part of a predisposition screen in an ostensibly healthy population. It had not been previously curated by ICSL or reported in the Human Gene Mutation Database (HGMD: prior to June 1st, 2018), and was therefore a candidate for classification through an automated scoring system. Utilizing variant allele frequency, disease prevalence and penetrance estimates, and inheritance mode, an automated score was calculated to assess if this variant is too frequent to cause the disease. Based on the score and internal cut-off values, a variant classified as benign is not then subjected to further curation. The score for this variant resulted in a classification of benign for this disease.

Laboratory for Molecular Medicine, Mass General Brigham Personalized Medicine
Classification: Benign. Last evaluated: 2016-03-29. Review status: criteria provided, single submitter. Criteria: LMM Criteria. Collection method: clinical testing. Allele origin: germline.
Comment: Variant identified in a genome or exome case(s) and assessed due to predicted null impact of the variant or pathogenic assertions in the literature or databases. Disclaimer: This variant has not undergone full assessment. The following are preliminary notes: Frequency

Breakthrough Genomics
Classification: Benign. Review status: criteria provided, single submitter. Criteria: ACMG Guidelines, 2015. Collection method: not provided. Allele origin: germline. Inheritance: Autosomal recessive inheritance. Affected: yes.

Diagnostic Laboratory, Department of Genetics, University Medical Center Groningen
Classification: Benign. Review status: no assertion criteria provided. Collection method: clinical testing. Allele origin: germline. Affected: yes. Study: VKGL Data-share Consensus. Not counted in ClinVar's aggregate classification.

Genome Diagnostics Laboratory, University Medical Center Utrecht
Classification: Benign. Review status: no assertion criteria provided. Collection method: clinical testing. Allele origin: germline. Affected: yes. Study: VKGL Data-share Consensus. Not counted in ClinVar's aggregate classification.

NM_173841.3(IL1RN):c.73+8A>C

Gene: IL1RN (interleukin 1 receptor antagonist; plus strand). Cytogenetic location: 2q14.1.
Variant type: single nucleotide variant.
Coding change: c.73+8A>C on transcript NM_173841.3; 8 bases into the intron after coding-DNA position 73, A replaced by C.
Molecular consequence: intron variant.
Genome position (GRCh38, 1-based): chr2:113,120,136, A>C. VCF-style: chr2-113120136-A-C. GRCh37 (hg19) VCF-style: chr2-113877713-A-C.
Other names: p.?; c.-210+8A>C (NM_001318914.2); c.-209-1312A>C (NM_173843.3); c.10+2108A>C (NM_000577.5).
Identifiers: ClinVar variation 330822 (VCV000330822.28), dbSNP rs878972, ClinGen allele CA1838725.
Genomic context (GRCh38, chr2:113,120,136, plus strand): 5'-TGAAGAAGGAGGTGGAGGAGGAGGAGAAGGTGAAGACAATGCTGACTCAAAGGGTAAATT[A>C]TTTTTAGGATCCAAGTTTGAAAACAATTTTAGGCTACTAGATATGAACAACATCTTGATT-3'